The following is an entry in ClinVar:

ClinVar aggregate classification (germline): Conflicting classifications of pathogenicity. Review status: criteria provided, conflicting classifications (1 of 4 stars). 2 submissions from 2 submitters: Uncertain significance (1); Likely benign (1). Last evaluated 2025-06-12.

Conditions:
Inborn genetic diseases. Identifiers: MedGen C0950123, MeSH D030342.

gnomAD v4.1: 17 of 1,613,472 alleles (0.0011%); highest among the groups gnomAD compares: Non-Finnish European, 0.0014%; no homozygotes.

Submissions (2):

Ambry Genetics
Classification: Likely benign for Inborn genetic diseases. Last evaluated: 2025-06-12. Review status: criteria provided, single submitter. Criteria: Ambry Variant Classification Scheme 2023. Collection method: clinical testing. Allele origin: germline.

Labcorp Genetics (formerly Invitae), Labcorp
Classification: Uncertain significance. Last evaluated: 2024-03-05. Review status: criteria provided, single submitter. Criteria: Invitae Variant Classification Sherloc (09022015). Collection method: clinical testing. Allele origin: germline.
Comment: This sequence change replaces threonine, which is neutral and polar, with alanine, which is neutral and non-polar, at codon 64 of the CACNA1E protein (p.Thr64Ala). This variant is present in population databases (rs756045659, gnomAD 0.003%). This variant has not been reported in the literature in individuals affected with CACNA1E-related conditions. Advanced modeling of protein sequence and biophysical properties (such as structural, functional, and spatial information, amino acid conservation, physicochemical variation, residue mobility, and thermodynamic stability) has been performed at Invitae for this missense variant, however the output from this modeling did not meet the statistical confidence thresholds required to predict the impact of this variant on CACNA1E protein function. In summary, the available evidence is currently insufficient to determine the role of this variant in disease. Therefore, it has been classified as a Variant of Uncertain Significance.

NM_001205293.3(CACNA1E):c.190A>G (p.Thr64Ala)

Gene: CACNA1E (calcium voltage-gated channel subunit alpha1 E; plus strand). Cytogenetic location: 1q25.3.
Variant type: single nucleotide variant.
Coding change: c.190A>G on transcript NM_001205293.3 (MANE Select); coding-DNA position 190, A replaced by G.
Protein change: p.Thr64Ala; replaces threonine 64 with alanine.
Molecular consequence: missense variant.
Genome position (GRCh38, 1-based): chr1:181,483,934, A>G. VCF-style: chr1-181483934-A-G. GRCh37 (hg19) VCF-style: chr1-181453070-A-G.
Other names: c.190A>G, p.Thr64Ala (NM_000721.4, NM_001205294.2); c.190A>G (NM_001205293.1); short protein forms T64A.
Identifiers: ClinVar variation 3633657 (VCV003633657.3).